The following is an entry in ClinVar:

ClinVar aggregate classification (germline): Conflicting classifications of pathogenicity. Review status: criteria provided, conflicting classifications (1 of 4 stars). 2 submissions from 2 submitters: Uncertain significance (1); Likely benign (1). Last evaluated 2023-10-23.

Conditions:
Peutz-Jeghers syndrome (PJS). Also called: Peutz-Jeghers polyposis; Periorificial lentiginosis syndrome; POLYPOSIS, HAMARTOMATOUS INTESTINAL; POLYPS-AND-SPOTS SYNDROME. Identifiers: Orphanet 2869, MedGen C0031269, MeSH D010580, MONDO:0008280, OMIM 175200.

Allele frequency attached by ClinVar (database versions not stated): gnomAD exomes below 0.00001; ExAC 0.00001.
gnomAD v4.1: 1 of 1,611,528 alleles (0.000062%); highest among the groups gnomAD compares: Non-Finnish European, 0.000085%; no homozygotes.

Submissions (2):

All of Us Research Program, National Institutes of Health
Classification: Uncertain significance for Peutz-Jeghers syndrome. Last evaluated: 2023-10-23. Review status: criteria provided, single submitter. Criteria: ACMG Guidelines, 2015. Collection method: clinical testing. Allele origin: germline. Inheritance: Autosomal dominant inheritance. Observed: 1 variant allele, 1 heterozygote.
Comment: This variant causes a C to G nucleotide substitution at the -12 position of intron 5 of the STK11 gene. To our knowledge, functional studies have not been reported for this variant. This variant has not been reported in individuals affected with STK11-related disorders in the literature. This variant has been identified in 1/247544 chromosomes in the general population by the Genome Aggregation Database (gnomAD). The available evidence is insufficient to determine the role of this variant in disease conclusively. Therefore, this variant is classified as a Variant of Uncertain Significance.

This study involves interpretation of variants in research participants for the purpose of population health screening. Participant phenotype was not available at the time of variant classification. Additional details can be found in publication PMID: 35346344, PMCID: PMC8962531

Labcorp Genetics (formerly Invitae), Labcorp
Classification: Likely benign for Peutz-Jeghers syndrome. Last evaluated: 2021-10-02. Review status: criteria provided, single submitter. Criteria: Invitae Variant Classification Sherloc (09022015). Collection method: clinical testing. Allele origin: germline.

NM_000455.5(STK11):c.735-12C>G

Gene: STK11 (serine/threonine kinase 11; plus strand). Cytogenetic location: 19p13.3.
Variant type: single nucleotide variant.
Coding change: c.735-12C>G on transcript NM_000455.5 (MANE Select); 12 bases into the intron before coding-DNA position 735, C replaced by G.
Molecular consequence: intron variant.
Genome position (GRCh38, 1-based): chr19:1,221,201, C>G. VCF-style: chr19-1221201-C-G. GRCh37 (hg19) VCF-style: chr19-1221200-C-G.
Identifiers: ClinVar variation 1644885 (VCV001644885.9), dbSNP rs764712846, ClinGen allele CA048792.